The following is an entry in ClinVar:

ClinVar aggregate classification (germline): Conflicting classifications of pathogenicity. Review status: criteria provided, conflicting classifications (1 of 4 stars). 3 submissions from 3 submitters: Uncertain significance (2); Benign (1). Last evaluated 2025-02-21.

Conditions:
Aneurysm-osteoarthritis syndrome. Also called: LOEYS-DIETZ SYNDROME WITH OSTEOARTHRITIS; SMAD3-Related Loeys-Dietz Syndrome; Loeys-Dietz syndrome, type 1C; ANEURYSMS-OSTEOARTHRITIS SYNDROME. Identifiers: Orphanet 284984, MedGen C3151087, MONDO:0013426, OMIM 613795.
Familial thoracic aortic aneurysm and aortic dissection (TAAD). Also called: Thoracic aortic aneurysms and dissections. Identifiers: Orphanet 91387, MedGen C4707243, MONDO:0019625.

Allele frequency attached by ClinVar (database versions not stated): ExAC 0.00001; gnomAD 0.00001; gnomAD exomes 0.00001; 1000 Genomes Project 0.00020; 1000 Genomes Project 30x 0.00031.
gnomAD v4.1: 20 of 1,614,102 alleles (0.0012%); highest among the groups gnomAD compares: South Asian, 0.0033%; no homozygotes.

Submissions (3):

Labcorp Genetics (formerly Invitae), Labcorp
Classification: Benign for Familial thoracic aortic aneurysm and aortic dissection. Last evaluated: 2025-02-21. Review status: criteria provided, single submitter. Criteria: Invitae Variant Classification Sherloc (09022015). Collection method: clinical testing. Allele origin: germline.

All of Us Research Program, National Institutes of Health
Classification: Uncertain significance for Aneurysm-osteoarthritis syndrome. Last evaluated: 2024-08-06. Review status: criteria provided, single submitter. Criteria: ACMG Guidelines, 2015. Collection method: clinical testing. Allele origin: germline. Inheritance: Autosomal dominant inheritance. Observed: 1 variant allele, 1 heterozygote.
Comment: This missense variant replaces alanine with threonine at codon 168 of the SMAD3 protein. Computational prediction suggests that this variant may not impact protein structure and function (internally defined REVEL score threshold <= 0.5, PMID: 27666373). To our knowledge, functional studies have not been reported for this variant. This variant has not been reported in individuals affected with cardiovascular disorders in the literature. This variant has been identified in 2/251408 chromosomes in the general population by the Genome Aggregation Database (gnomAD). The available evidence is insufficient to determine the role of this variant in disease conclusively. Therefore, this variant is classified as a Variant of Uncertain Significance.

This study involves interpretation of variants in research participants for the purpose of population health screening. Participant phenotype was not available at the time of variant classification. Additional details can be found in publication PMID: 35346344, PMCID: PMC8962531

Color Diagnostics, LLC DBA Color Health
Classification: Uncertain significance for Familial thoracic aortic aneurysm and aortic dissection. Last evaluated: 2024-02-05. Review status: criteria provided, single submitter. Criteria: ACMG Guidelines, 2015. Collection method: clinical testing. Allele origin: germline.
Comment: This missense variant replaces alanine with threonine at codon 168 of the SMAD3 protein. Computational prediction tools indicate that this variant has a neutral impact on protein structure and function. To our knowledge, functional studies have not been reported for this variant. This variant has not been reported in individuals affected with SMAD3-related disorders in the literature. This variant has been identified in 2/251408 chromosomes in the general population by the Genome Aggregation Database (gnomAD). The available evidence is insufficient to determine the role of this variant in disease conclusively. Therefore, this variant is classified as a Variant of Uncertain Significance.

NM_005902.4(SMAD3):c.502G>A (p.Ala168Thr)

Gene: SMAD3 (SMAD family member 3; plus strand). Cytogenetic location: 15q22.33.
Variant type: single nucleotide variant.
Coding change: c.502G>A on transcript NM_005902.4 (MANE Select); coding-DNA position 502, G replaced by A.
Protein change: p.Ala168Thr; replaces alanine 168 with threonine.
Molecular consequence: missense variant.
Genome position (GRCh38, 1-based): chr15:67,165,354, G>A. VCF-style: chr15-67165354-G-A. GRCh37 (hg19) VCF-style: chr15-67457692-G-A.
Other names: c.187G>A, p.Ala63Thr (NM_001145102.2); c.370G>A, p.Ala124Thr (NM_001145103.2); short protein forms A168T, A124T, A63T.
Identifiers: ClinVar variation 213784 (VCV000213784.9), dbSNP rs548756379, ClinGen allele CA062291.